The following is an entry in ClinVar:

ClinVar aggregate classification (germline): Uncertain significance (1 of 4 stars; one submission).

Conditions:
Hereditary cancer-predisposing syndrome. Also called: Neoplastic Syndromes, Hereditary; Tumor predisposition; Hereditary Cancer Syndrome; Hereditary neoplastic syndrome. Identifiers: Orphanet 140162, MedGen C0027672, MeSH D009386, MONDO:0015356.

Submission:

Ambry Genetics
Classification: Uncertain significance for Hereditary cancer-predisposing syndrome. Last evaluated: 2020-12-10. Review status: criteria provided, single submitter. Criteria: Ambry Variant Classification Scheme 2023. Collection method: clinical testing. Allele origin: germline.
Comment: The p.F683L variant (also known as c.2049C>G), located in coding exon 11 of the RET gene, results from a C to G substitution at nucleotide position 2049. The phenylalanine at codon 683 is replaced by leucine, an amino acid with highly similar properties. This amino acid position is not well conserved in available vertebrate species. In addition, this alteration is predicted to be tolerated by in silico analysis. Since supporting evidence is limited at this time, the clinical significance of this alteration remains unclear.

NM_020975.6(RET):c.2049C>G (p.Phe683Leu)

Gene: RET (ret proto-oncogene; plus strand). Cytogenetic location: 10q11.21.
Variant type: single nucleotide variant.
Coding change: c.2049C>G on transcript NM_020975.6 (MANE Select); coding-DNA position 2049, C replaced by G.
Protein change: p.Phe683Leu; replaces phenylalanine 683 with leucine.
Molecular consequence: missense variant.
Genome position (GRCh38, 1-based): chr10:43,114,649, C>G. VCF-style: chr10-43114649-C-G. GRCh37 (hg19) VCF-style: chr10-43610097-C-G.
Other names: c.2049C>G, p.Phe683Leu (NM_000323.2, NM_001406743.1, NM_001406744.1 and 4 more transcripts); c.1287C>G, p.Phe429Leu (NM_001355216.2); c.1920C>G, p.Phe640Leu (NM_001406761.1, NM_001406762.1, NM_001406764.1); c.1914C>G, p.Phe638Leu (NM_001406763.1, NM_001406765.1); c.1761C>G, p.Phe587Leu (NM_001406766.1, NM_001406767.1, NM_001406770.1); c.1785C>G, p.Phe595Leu (NM_001406768.1); c.1653C>G, p.Phe551Leu (NM_001406769.1, NM_001406772.1); c.1611C>G, p.Phe537Leu (NM_001406771.1, NM_001406773.1); and 10 more; short protein forms F248L, F341L, F344L, F551L, F384L, F429L, F537L, F200L.
Identifiers: ClinVar variation 1785015 (VCV001785015.2), dbSNP rs2132851661, ClinGen allele CA376553210.
Genomic context (GRCh38, chr10:43,114,649, plus strand): 5'-TGCCCACAAGCCACCCATCTCCTCAGCTGAGATGACCTTCCGGAGGCCCGCCCAGGCCTT[C>G]CCGGTCAGCTACTCCTCTTCCGGTGCCCGCCGGCCCTCGCTGGACTCCATGGAGAACCAG-3'
Protein context (NP_066124.1, residues 673-693): EMTFRRPAQA[Phe683Leu]PVSYSSSGAR